The following is an entry in ClinVar:

NM_001135651.3(EIF2AK2):c.1281A>G (p.Gln427=)

Gene: EIF2AK2 (eukaryotic translation initiation factor 2 alpha kinase 2; minus strand). Cytogenetic location: 2p22.2.
Variant type: single nucleotide variant.
Coding change: c.1281A>G on transcript NM_001135651.3 (MANE Select); coding-DNA position 1281, A replaced by G.
Protein change: p.Gln427=; no amino-acid change (glutamine 427 retained).
Molecular consequence: synonymous variant.
Genome position (GRCh38, 1-based): chr2:37,114,827, T>C on the plus strand (A>G on the coding strand, the complement: EIF2AK2 is on the minus strand). VCF-style: chr2-37114827-T-C. GRCh37 (hg19) VCF-style: chr2-37341970-T-C.
Other names: c.1158A>G, p.Gln386= (NM_001135652.3); c.1281A>G, p.Gln427= (NM_002759.4).
Identifiers: ClinVar variation 2776893 (VCV002776893.3), dbSNP rs200748103, ClinGen allele CA1615048.
Genomic context (GRCh38, chr2:37,114,827, plus strand): 5'-CCTTGTTCGCTTTCCATCATTTTTCAGAGATGTTACAAGTCCAAAGTCTCCAATCTTTAC[T>C]TGTTTTGTATCTACTAAGAATATATTACTTGGCTATGAAAAAAAAAAATTTAACTTACAT-3'
Protein context (NP_001129123.1, residues 417-437): PSNIFLVDTK[Gln427=]VKIGDFGLVT

ClinVar aggregate classification (germline): Uncertain significance (1 of 4 stars; one submission).

Allele frequency attached by ClinVar (database versions not stated): TOPMed 0.00003; ExAC 0.00001; gnomAD 0.00003; gnomAD exomes 0.00003.
gnomAD v4.1: 43 of 1,595,256 alleles (0.0027%); highest among the groups gnomAD compares: African/African-American, 0.0041%; no homozygotes.

Submission:

Labcorp Genetics (formerly Invitae), Labcorp
Classification: Uncertain significance. Last evaluated: 2023-06-27. Review status: criteria provided, single submitter. Criteria: Invitae Variant Classification Sherloc (09022015). Collection method: clinical testing. Allele origin: germline.
Comment: In summary, the available evidence is currently insufficient to determine the role of this variant in disease. Therefore, it has been classified as a Variant of Uncertain Significance. Algorithms developed to predict the effect of sequence changes on RNA splicing suggest that this variant may disrupt the consensus splice site. This variant has not been reported in the literature in individuals affected with EIF2AK2-related conditions. This variant is present in population databases (rs200748103, gnomAD 0.009%). This sequence change affects codon 427 of the EIF2AK2 mRNA. It is a 'silent' change, meaning that it does not change the encoded amino acid sequence of the EIF2AK2 protein.